The following is an entry in ClinVar:

ClinVar aggregate classification (germline): Uncertain significance. Review status: reviewed by expert panel (3 of 4 stars). 2 submissions from 2 submitters: Uncertain significance (1). 1 of the submissions does not count toward it. Last evaluated 2024-09-16.

Conditions:
Hereditary thrombocytopenia and hematologic cancer predisposition syndrome. Identifiers: Orphanet 71290, MedGen CN281654, MONDO:0011071.
Hereditary thrombocytopenia and hematological cancer predisposition syndrome associated with RUNX1. Also called: PLATELET DISORDER, ASPIRIN-LIKE; RUNX1 Familial Platelet Disorder with Associated Myeloid Malignancies; Familial Platelet Disorder with Propensity to Acute Myelogenous Leukemia; Familial thrombocytopenia with propensity to acute myelogenous leukemia. Identifiers: Orphanet 71290, MedGen C1832388, MeSH C563324, MONDO:0100083, OMIM 601399.

Allele frequency attached by ClinVar (database versions not stated): gnomAD exomes 0.00001; TOPMed 0.00001; 1000 Genomes Project 30x 0.00031.
gnomAD v4.1: 5 of 233,338 alleles (0.0021%); highest among the groups gnomAD compares: South Asian, 0.018%; no homozygotes.

Submissions (2):

ClinGen Myeloid Malignancy Variant Curation Expert Panel
Classification: Uncertain significance for Hereditary thrombocytopenia and hematologic cancer predisposition syndrome. Last evaluated: 2024-09-16. Review status: reviewed by expert panel. Criteria: ClinGen MyeloMalig ACMG Specifications v2. Collection method: curation. Allele origin: germline. Inheritance: Autosomal dominant inheritance.
Comment: NM_001754.5:c.*4003C>T is a 3' UTR variant located in exon 9. Although absent in gnomAD v2.1.1, this variant has been found in four individuals in gnomAD v3.1.2 (MAF: 0.00002629). Additionally, this variant has not been reported in any patients with RUNX1-related diseases. In summary, the clinical significance of this variant is uncertain. ACMG/AMP criteria applied, as specified by the Myeloid Malignancy Variant Curation Expert Panel for RUNX1: None.

Illumina Laboratory Services, Illumina
Classification: Uncertain significance for Hereditary thrombocytopenia and hematological cancer predisposition syndrome associated with RUNX1. Last evaluated: 2018-01-12. Review status: criteria provided, single submitter. Criteria: ICSL Variant Classification Criteria 13 December 2019. Collection method: clinical testing. Allele origin: germline. Not counted in ClinVar's aggregate classification.

NM_001754.5(RUNX1):c.*4003C>T

Gene: RUNX1 (RUNX family transcription factor 1; minus strand). Cytogenetic location: 21q22.12.
Variant type: single nucleotide variant.
Coding change: c.*4003C>T on transcript NM_001754.5 (MANE Select); 4003 bases downstream of the stop codon, C replaced by T.
Molecular consequence: 3 prime UTR variant.
Genome position (GRCh38, 1-based): chr21:34,788,132, G>A on the plus strand (C>T on the coding strand, the complement: RUNX1 is on the minus strand). VCF-style: chr21-34788132-G-A. GRCh37 (hg19) VCF-style: chr21-36160429-G-A.
Other names: c.*4003C>T (NM_001001890.3).
Identifiers: ClinVar variation 339798 (VCV000339798.6), dbSNP rs886057030, ClinGen allele CA10644611.